The following is an entry in ClinVar:

ClinVar aggregate classification (germline): Uncertain significance (1 of 4 stars; one submission).

Conditions:
Naxos disease (NXD). Also called: KERATOSIS PALMOPLANTARIS WITH ARRHYTHMOGENIC CARDIOMYOPATHY; MAL DE NAXOS; PALMOPLANTAR KERATODERMA WITH ARRHYTHMOGENIC RIGHT VENTRICULAR CARDIOMYOPATHY AND WOOLLY HAIR; WOOLLY HAIR, PALMOPLANTAR KERATODERMA, AND CARDIAC ABNORMALITIES; CARDIOMYOPATHY, ARRHYTHMOGENIC RIGHT VENTRICULAR, WITH SKIN, HAIR, AND NAIL ABNORMALITIES. Identifiers: Orphanet 34217, MedGen C1832600, MONDO:0011017, OMIM 601214.
Arrhythmogenic right ventricular dysplasia 12. Also called: ARRHYTHMOGENIC RIGHT VENTRICULAR DYSPLASIA, FAMILIAL, 12. Identifiers: MedGen C1969081, MONDO:0012684, OMIM 611528.

Submission:

Labcorp Genetics (formerly Invitae), Labcorp
Classification: Uncertain significance for Arrhythmogenic right ventricular dysplasia 12; Naxos disease. Last evaluated: 2025-10-23. Review status: criteria provided, single submitter. Criteria: Invitae Variant Classification Sherloc (09022015). Collection method: clinical testing. Allele origin: germline.
Comment: This sequence change replaces valine, which is neutral and non-polar, with leucine, which is neutral and non-polar, at codon 486 of the JUP protein (p.Val486Leu). This variant is not present in population databases (gnomAD no frequency). This variant has not been reported in the literature in individuals affected with JUP-related conditions. An algorithm developed to predict the effect of missense changes on protein structure and function (PolyPhen-2) suggests that this variant is likely to be tolerated. In summary, the available evidence is currently insufficient to determine the role of this variant in disease. Therefore, it has been classified as a Variant of Uncertain Significance.

NM_002230.4(JUP):c.1456G>T (p.Val486Leu)

Gene: JUP (junction plakoglobin; minus strand). Cytogenetic location: 17q21.2.
Variant type: single nucleotide variant.
Coding change: c.1456G>T on transcript NM_002230.4 (MANE Select); coding-DNA position 1456, G replaced by T.
Protein change: p.Val486Leu; replaces valine 486 with leucine.
Molecular consequence: missense variant.
Genome position (GRCh38, 1-based): chr17:41,763,024, C>A on the plus strand (G>T on the coding strand, the complement: JUP is on the minus strand). VCF-style: chr17-41763024-C-A. GRCh37 (hg19) VCF-style: chr17-39919276-C-A.
Other names: c.1456G>T, p.Val486Leu (NM_001352773.2, NM_001352774.2, NM_001352775.2 and 3 more transcripts); short protein forms V486L.
Identifiers: ClinVar variation 4787797 (VCV004787797.1).